The following is an entry in ClinVar:

NM_001009944.3(PKD1):c.4231C>T (p.Arg1411Cys)

Gene: PKD1 (polycystin 1, transient receptor potential channel interacting; minus strand). Cytogenetic location: 16p13.3.
Variant type: single nucleotide variant.
Coding change: c.4231C>T on transcript NM_001009944.3 (MANE Select); coding-DNA position 4231, C replaced by T.
Protein change: p.Arg1411Cys; replaces arginine 1411 with cysteine.
Molecular consequence: missense variant.
Genome position (GRCh38, 1-based): chr16:2,110,936, G>A on the plus strand (C>T on the coding strand, the complement: PKD1 is on the minus strand). VCF-style: chr16-2110936-G-A. GRCh37 (hg19) VCF-style: chr16-2160937-G-A.
Other names: c.4231C>T, p.Arg1411Cys (NM_000296.4); short protein forms R1411C.
Identifiers: ClinVar variation 4978855 (VCV004978855.1).

ClinVar aggregate classification (germline): Uncertain significance (1 of 4 stars; one submission).

Conditions:
PKD1-related disorder. Also called: PKD1-related condition.

gnomAD v4.1: 86 of 1,610,962 alleles (0.0053%); highest among the groups gnomAD compares: East Asian, 0.0067%; no homozygotes.

Submission:

PreventionGenetics, part of Exact Sciences
Classification: Uncertain significance for PKD1-related condition. Last evaluated: 2026-03-27. Review status: criteria provided, single submitter. Criteria: ACMG Guidelines, 2015. Collection method: clinical testing. Allele origin: germline.
Comment: The PKD1 c.4231C>T variant is predicted to result in the amino acid substitution p.Arg1411Cys. To our knowledge, this variant has not been reported in the literature. This variant is reported in 0.015% of alleles in individuals of East Asian descent in gnomAD. At this time, the clinical significance of this variant is uncertain due to the absence of conclusive functional and genetic evidence.